The following is an entry in ClinVar:

ClinVar aggregate classification (germline): Uncertain significance. Review status: criteria provided, multiple submitters, no conflicts (2 of 4 stars). 4 submissions from 4 submitters: Uncertain significance (4). Last evaluated 2026-04-24.

Conditions:
ZNF423-related disorder. Also called: ZNF423-related condition.
Nephronophthisis 14 (NPHP14). Identifiers: Orphanet 2318, MedGen C3539071, MONDO:0013916, OMIM 614844.

Allele frequency attached by ClinVar (database versions not stated): gnomAD exomes 0.00003 and 0.00008; ExAC 0.00006; ESP Exome Variant Server 0.00008; TOPMed 0.00008; gnomAD 0.00009 and 0.00011; 1000 Genomes Project 0.00020; 1000 Genomes Project 30x 0.00062.
gnomAD v4.1: 55 of 1,614,094 alleles (0.0034%); highest among the groups gnomAD compares: Admixed American, 0.03%; no homozygotes.

Submissions (4):

PreventionGenetics, part of Exact Sciences
Classification: Uncertain significance for ZNF423-related condition. Last evaluated: 2026-04-24. Review status: criteria provided, single submitter. Criteria: ACMG Guidelines, 2015. Collection method: clinical testing. Allele origin: germline.
Comment: The ZNF423 c.1498C>T variant is predicted to result in the amino acid substitution p.Arg500Cys. To our knowledge, this variant has not been reported in the literature. This variant is reported in 0.040% of alleles in individuals of Latino descent in gnomAD. At this time, the clinical significance of this variant is uncertain due to the absence of conclusive functional and genetic evidence.

Ambry Genetics
Classification: Uncertain significance. Last evaluated: 2025-04-30. Review status: criteria provided, single submitter. Criteria: Ambry Variant Classification Scheme 2023. Collection method: clinical testing. Allele origin: germline.

Labcorp Genetics (formerly Invitae), Labcorp
Classification: Uncertain significance for Nephronophthisis 14. Last evaluated: 2024-10-22. Review status: criteria provided, single submitter. Criteria: Invitae Variant Classification Sherloc (09022015). Collection method: clinical testing. Allele origin: germline.
Comment: This sequence change replaces arginine, which is basic and polar, with cysteine, which is neutral and slightly polar, at codon 500 of the ZNF423 protein (p.Arg500Cys). This variant is present in population databases (rs376465155, gnomAD 0.04%). This variant has not been reported in the literature in individuals affected with ZNF423-related conditions. ClinVar contains an entry for this variant (Variation ID: 1053189). Invitae Evidence Modeling of protein sequence and biophysical properties (such as structural, functional, and spatial information, amino acid conservation, physicochemical variation, residue mobility, and thermodynamic stability) indicates that this missense variant is not expected to disrupt ZNF423 protein function with a negative predictive value of 80%. In summary, the available evidence is currently insufficient to determine the role of this variant in disease. Therefore, it has been classified as a Variant of Uncertain Significance.

GeneDx
Classification: Uncertain significance. Last evaluated: 2023-05-03. Review status: criteria provided, single submitter. Criteria: GeneDx Variant Classification Process June 2021. Collection method: clinical testing. Allele origin: germline. Affected: yes.
Comment: In silico analysis supports that this missense variant has a deleterious effect on protein structure/function; Has not been previously published as pathogenic or benign to our knowledge

NM_001379286.1(ZNF423):c.1522C>T (p.Arg508Cys)

Gene: ZNF423 (zinc finger protein 423; minus strand). Cytogenetic location: 16q12.1.
Variant type: single nucleotide variant.
Coding change: c.1522C>T on transcript NM_001379286.1 (MANE Select); coding-DNA position 1522, C replaced by T.
Protein change: p.Arg508Cys; replaces arginine 508 with cysteine.
Molecular consequence: missense variant.
Genome position (GRCh38, 1-based): chr16:49,637,654, G>A on the plus strand (C>T on the coding strand, the complement: ZNF423 is on the minus strand). VCF-style: chr16-49637654-G-A. GRCh37 (hg19) VCF-style: chr16-49671565-G-A.
Other names: c.1498C>T (NM_015069.3, NM_015069.4, NM_015069.2); c.1318C>T, p.Arg440Cys (NM_001271620.2); c.1147C>T, p.Arg383Cys (NM_001330533.2); c.1498C>T, p.Arg500Cys (NM_015069.5); short protein forms R383C, R440C, R500C, R508C.
Identifiers: ClinVar variation 1053189 (VCV001053189.8), dbSNP rs376465155, ClinGen allele CA8046669.